The following is an entry in ClinVar:

NM_004446.3(EPRS1):c.3832C>T (p.Arg1278Ter)

Gene: EPRS1 (glutamyl-prolyl-tRNA synthetase 1; minus strand). Cytogenetic location: 1q41.
Variant type: single nucleotide variant.
Coding change: c.3832C>T on transcript NM_004446.3 (MANE Select); coding-DNA position 3832, C replaced by T.
Protein change: p.Arg1278Ter; replaces arginine 1278 with a stop codon.
Molecular consequence: nonsense.
Genome position (GRCh38, 1-based): chr1:219,979,495, G>A on the plus strand (C>T on the coding strand, the complement: EPRS1 is on the minus strand). VCF-style: chr1-219979495-G-A. GRCh37 (hg19) VCF-style: chr1-220152837-G-A.
Other names: short protein forms R1278*.
Identifiers: ClinVar variation 1334631 (VCV001334631.8), dbSNP rs765537459, ClinGen allele CA344632052.

ClinVar aggregate classification (germline): Pathogenic/Likely pathogenic. Review status: criteria provided, multiple submitters, no conflicts (2 of 4 stars). 2 submissions from 2 submitters: Pathogenic (1); Likely pathogenic (1). Last evaluated 2025-04-14.

Conditions:
Leukodystrophy, hypomyelinating, 15. Identifiers: MedGen C4693733, MONDO:0054782, OMIM 617951.

Allele frequency attached by ClinVar (database versions not stated): gnomAD 0.00001; TOPMed 0.00001.

Submissions (2):

Labcorp Genetics (formerly Invitae), Labcorp
Classification: Pathogenic. Last evaluated: 2025-04-14. Review status: criteria provided, single submitter. Criteria: Invitae Variant Classification Sherloc (09022015). Collection method: clinical testing. Allele origin: germline.
Comment: This sequence change creates a premature translational stop signal (p.Arg1278*) in the EPRS gene. It is expected to result in an absent or disrupted protein product. Loss-of-function variants in EPRS are known to be pathogenic (PMID: 29576217). This variant is not present in population databases (gnomAD no frequency). This variant has not been reported in the literature in individuals affected with EPRS-related conditions. ClinVar contains an entry for this variant (Variation ID: 1334631). For these reasons, this variant has been classified as Pathogenic.

Greenwood Genetic Center Diagnostic Laboratories, Greenwood Genetic Center
Classification: Likely pathogenic for Leukodystrophy, hypomyelinating, 15. Last evaluated: 2021-10-13. Review status: criteria provided, single submitter. Criteria: ACMG Guidelines, 2015. Collection method: clinical testing. Allele origin: germline. Affected: yes.
Comment: PVS1, PM2

Literature cited by the submitters: PubMed 29576217 (cited by Labcorp Genetics (formerly Invitae), Labcorp).